The following is an entry in ClinVar:

NM_000017.4(ACADS):c.473-5G>A

Gene: ACADS (acyl-CoA dehydrogenase short chain; plus strand). Cytogenetic location: 12q24.31.
Variant type: single nucleotide variant.
Coding change: c.473-5G>A on transcript NM_000017.4 (MANE Select); 5 bases into the intron before coding-DNA position 473, G replaced by A.
Molecular consequence: intron variant.
Genome position (GRCh38, 1-based): chr12:120,737,832, G>A. VCF-style: chr12-120737832-G-A. GRCh37 (hg19) VCF-style: chr12-121175635-G-A.
Other names: c.473-217G>A (NM_001302554.2).
Identifiers: ClinVar variation 1380219 (VCV001380219.8), dbSNP rs2136949081, ClinGen allele CA2513470094.

ClinVar aggregate classification (germline): Uncertain significance (1 of 4 stars; one submission).

Conditions:
Deficiency of butyryl-CoA dehydrogenase (ACADSD). Also called: Short-Chain Acyl-CoA Dehydrogenase Deficiency; ACYL-CoA DEHYDROGENASE, SHORT-CHAIN, DEFICIENCY OF; SCADH DEFICIENCY; SCAD DEFICIENCY, MILD; SCAD Deficiency; ACADS DEFICIENCY. Identifiers: Orphanet 26792, MedGen C0342783, MONDO:0008722, OMIM 201470. Disease mechanism: May be benign.

Allele frequency attached by ClinVar (database versions not stated): gnomAD exomes below 0.00001.
gnomAD v4.1: 1 of 1,613,992 alleles (0.000062%); highest among the groups gnomAD compares: Non-Finnish European, 0.000085%; no homozygotes.

Submission:

Labcorp Genetics (formerly Invitae), Labcorp
Classification: Uncertain significance for Deficiency of butyryl-CoA dehydrogenase. Last evaluated: 2021-03-21. Review status: criteria provided, single submitter. Criteria: Invitae Variant Classification Sherloc (09022015). Collection method: clinical testing. Allele origin: germline.
Comment: In summary, the available evidence is currently insufficient to determine the role of this variant in disease. Therefore, it has been classified as a Variant of Uncertain Significance. Algorithms developed to predict the effect of sequence changes on RNA splicing suggest that this variant may disrupt the consensus splice site, but this prediction has not been confirmed by published transcriptional studies. This variant has not been reported in the literature in individuals with ACADS-related conditions. This variant is not present in population databases (ExAC no frequency). This sequence change falls in intron 4 of the ACADS gene. It does not directly change the encoded amino acid sequence of the ACADS protein.